The following is an entry in ClinVar:

ClinVar aggregate classification (germline): Uncertain significance (1 of 4 stars; one submission).

Conditions:
T-cell immunodeficiency, congenital alopecia, and nail dystrophy. Also called: Congenital alopecia and nail dystrophy associated with severe functional T-cell immunodeficiency; Pignata Guarino syndrome. Identifiers: Orphanet 169095, MedGen C1866426, MONDO:0011132, OMIM 601705.

gnomAD v4.1: 2 of 1,613,174 alleles (0.00012%); highest among the groups gnomAD compares: South Asian, 0.0011%; no homozygotes.

Submission:

Labcorp Genetics (formerly Invitae), Labcorp
Classification: Uncertain significance for T-cell immunodeficiency, congenital alopecia, and nail dystrophy. Last evaluated: 2024-06-09. Review status: criteria provided, single submitter. Criteria: Invitae Variant Classification Sherloc (09022015). Collection method: clinical testing. Allele origin: germline.
Comment: This sequence change replaces proline, which is neutral and non-polar, with threonine, which is neutral and polar, at codon 401 of the FOXN1 protein (p.Pro401Thr). This variant is not present in population databases (gnomAD no frequency). This variant has not been reported in the literature in individuals affected with FOXN1-related conditions. Advanced modeling of protein sequence and biophysical properties (such as structural, functional, and spatial information, amino acid conservation, physicochemical variation, residue mobility, and thermodynamic stability) performed at Invitae indicates that this missense variant is not expected to disrupt FOXN1 protein function with a negative predictive value of 80%. In summary, the available evidence is currently insufficient to determine the role of this variant in disease. Therefore, it has been classified as a Variant of Uncertain Significance.

NM_001369369.1(FOXN1):c.1201C>A (p.Pro401Thr)

Gene: FOXN1 (forkhead box N1; plus strand). Cytogenetic location: 17q11.2.
Variant type: single nucleotide variant.
Coding change: c.1201C>A on transcript NM_001369369.1 (MANE Select); coding-DNA position 1201, C replaced by A.
Protein change: p.Pro401Thr; replaces proline 401 with threonine.
Molecular consequence: missense variant.
Genome position (GRCh38, 1-based): chr17:28,534,772, C>A. VCF-style: chr17-28534772-C-A. GRCh37 (hg19) VCF-style: chr17-26861790-C-A.
Other names: c.1201C>A, p.Pro401Thr (NM_003593.3); short protein forms P401T.
Identifiers: ClinVar variation 3678308 (VCV003678308.2).
Genomic context (GRCh38, chr17:28,534,772, plus strand): 5'-CTGGACAGCCTCATTGGAGACAAGAGAGAAAAGCTGGGCTCCCCACTCCTGGGCTGTCCG[C>A]CCCCTGGGCTGTCCGGCTCAGGCCCCATCCGGCCCCTGGCACCCCCAGCTGGCCTCTCCC-3'
Protein context (NP_001356298.1, residues 391-411): KLGSPLLGCP[Pro401Thr]PGLSGSGPIR